The following is an entry in ClinVar:

ClinVar aggregate classification (germline): Benign. Review status: reviewed by expert panel (3 of 4 stars). 3 submissions from 3 submitters: Benign (1). 2 of the submissions do not count toward it. Last evaluated 2024-06-24.

Conditions:
Hereditary thrombocytopenia and hematologic cancer predisposition syndrome. Identifiers: Orphanet 71290, MedGen CN281654, MONDO:0011071.

Allele frequency attached by ClinVar (database versions not stated): 1000 Genomes Project 0.00080; 1000 Genomes Project 30x 0.00109; gnomAD 0.00428 and 0.00482; gnomAD exomes 0.00438 and 0.00718; TOPMed 0.00450; ExAC 0.00452; ESP Exome Variant Server 0.00523.
gnomAD v4.1: 10,922 of 1,602,532 alleles (0.68%); highest among the groups gnomAD compares: Non-Finnish European, 0.88%; 57 homozygotes.

Submissions (3):

ClinGen Myeloid Malignancy Variant Curation Expert Panel
Classification: Benign for Hereditary thrombocytopenia and hematologic cancer predisposition syndrome. Last evaluated: 2024-06-24. Review status: reviewed by expert panel. Criteria: ClinGen MyeloMalig ACMG Specifications v2. Collection method: curation. Allele origin: germline. Inheritance: Autosomal dominant inheritance.
Comment: This intronic variant has a MAF of 0.008015 (0.8015%, 545/67996 alleles) in the European (non-Finnish) subpopulation of gnomAD v3.1.2 cohort is ≥0.0015 (0.15%) (BA1). It is detected in a homozygous state in 9 individuals within the European (non-Finnish) population in gnomAD v2.1.1 (NB: MAF for this allele within the European (non-Finnish) population of gnomAD v2.1.1 is 0.008492 (0.8492%, 1097/129174 alleles) (BP2). It has a SpliceAI Δ score of ≤0.20 (0.00) (BP4). Evolutionary conservation prediction algorithms predict the site as not being conserved (PhyloP score 0.666583 is <2.0). The variant is the reference nucleotide in at least 3 mammalian species. It is not the reference nucleotide in any primate (BP7). In summary, this variant meets criteria to be classified as benign. ACMG/AMP criteria applied, as specified by the Myeloid Malignancy Variant Curation Expert Panel for RUNX1: BA1, BP2, BP4, BP7.

PreventionGenetics, part of Exact Sciences
Classification: Likely benign. Last evaluated: 2018-07-12. Review status: criteria provided, single submitter. Criteria: ACMG Guidelines, 2015. Collection method: clinical testing. Allele origin: germline. Not counted in ClinVar's aggregate classification.

Breakthrough Genomics
Classification: Likely benign. Review status: criteria provided, single submitter. Criteria: ACMG Guidelines, 2015. Collection method: not provided. Allele origin: germline. Inheritance: Autosomal dominant inheritance. Affected: yes. Not counted in ClinVar's aggregate classification.

NM_001754.5(RUNX1):c.58+23A>G

Gene: RUNX1 (RUNX family transcription factor 1; minus strand). Cytogenetic location: 21q22.12.
Variant type: single nucleotide variant.
Coding change: c.58+23A>G on transcript NM_001754.5 (MANE Select); 23 bases into the intron after coding-DNA position 58, A replaced by G.
Molecular consequence: intron variant.
Genome position (GRCh38, 1-based): chr21:35,048,819, T>C on the plus strand (A>G on the coding strand, the complement: RUNX1 is on the minus strand). VCF-style: chr21-35048819-T-C. GRCh37 (hg19) VCF-style: chr21-36421116-T-C.
Identifiers: ClinVar variation 561249 (VCV000561249.4), dbSNP rs117776183, ClinGen allele CA10014719.
Genomic context (GRCh38, chr21:35,048,819, plus strand): 5'-CTGCACCGAGGTGAAACAAGCTGCCATTTCATTACAGGCAAAGCTGAGCAAAAGTAGATA[T>C]TACAAGACCAGCATGTACTCACCTCTCATGAAGCACTGTGGGTACGAAGGAAATGACTCA-3'